The following is an entry in ClinVar:

ClinVar aggregate classification (germline): Uncertain significance (1 of 4 stars; one submission).

Submission:

GeneDx
Classification: Uncertain significance. Last evaluated: 2024-09-18. Review status: criteria provided, single submitter. Criteria: GeneDx Variant Classification Process June 2021. Collection method: clinical testing. Allele origin: germline. Affected: yes.
Comment: Not observed at significant frequency in large population cohorts (gnomAD); In silico analysis supports that this missense variant has a deleterious effect on protein structure/function; Has not been previously published as pathogenic or benign to our knowledge

NM_007126.5(VCP):c.1594G>A (p.Ala532Thr)

Gene: VCP (valosin containing protein; minus strand). Cytogenetic location: 9p13.3.
Variant type: single nucleotide variant.
Coding change: c.1594G>A on transcript NM_007126.5 (MANE Select); coding-DNA position 1594, G replaced by A.
Protein change: p.Ala532Thr; replaces alanine 532 with threonine.
Molecular consequence: missense variant.
Genome position (GRCh38, 1-based): chr9:35,060,414, C>T on the plus strand (G>A on the coding strand, the complement: VCP is on the minus strand). VCF-style: chr9-35060414-C-T. GRCh37 (hg19) VCF-style: chr9-35060411-C-T.
Other names: c.1459G>A, p.Ala487Thr (NM_001354927.2, NM_001354928.2); short protein forms A487T, A532T.
Identifiers: ClinVar variation 3774172 (VCV003774172.1).